The following is an entry in ClinVar:

NM_020461.4(TUBGCP6):c.3887del (p.Ser1296fs)

Gene: TUBGCP6 (tubulin gamma complex component 6; minus strand). Cytogenetic location: 22q13.33.
Variant type: Deletion.
Coding change: c.3887del on transcript NM_020461.4 (MANE Select); coding-DNA position 3887, one base deleted (G; older notation c.3887delG).
Protein change: p.Ser1296fs; shifts the reading frame from serine 1296.
Molecular consequence: frameshift variant.
Genome position (GRCh38, 1-based): chr22:50,220,472, C deleted on the plus strand (G on the coding strand, the reverse complement: TUBGCP6 is on the minus strand). VCF-style (leftmost placement, unchanged base first): chr22-50220471-GC-G. GRCh37 (hg19) VCF-style: chr22-50658900-GC-G.
Other names: short protein forms S1296fs.
Identifiers: ClinVar variation 1458627 (VCV001458627.6), dbSNP rs2147177201, ClinGen allele CA2573158250.

ClinVar aggregate classification (germline): Pathogenic (1 of 4 stars; one submission).

Submission:

Labcorp Genetics (formerly Invitae), Labcorp
Classification: Pathogenic. Last evaluated: 2022-07-25. Review status: criteria provided, single submitter. Criteria: Invitae Variant Classification Sherloc (09022015). Collection method: clinical testing. Allele origin: germline.
Comment: For these reasons, this variant has been classified as Pathogenic. ClinVar contains an entry for this variant (Variation ID: 1458627). This variant has not been reported in the literature in individuals affected with TUBGCP6-related conditions. This variant is not present in population databases (gnomAD no frequency). This sequence change creates a premature translational stop signal (p.Ser1296Thrfs*28) in the TUBGCP6 gene. It is expected to result in an absent or disrupted protein product. Loss-of-function variants in TUBGCP6 are known to be pathogenic (PMID: 25344692).

Literature cited by the submitters: PubMed 25344692.